The following is an entry in ClinVar:

NM_000528.4(MAN2B1):c.1003C>T (p.Leu335Phe)

Gene: MAN2B1 (mannosidase alpha class 2B member 1; minus strand). Cytogenetic location: 19p13.13.
Variant type: single nucleotide variant.
Coding change: c.1003C>T on transcript NM_000528.4 (MANE Select); coding-DNA position 1003, C replaced by T.
Protein change: p.Leu335Phe; replaces leucine 335 with phenylalanine.
Molecular consequence: missense variant.
Genome position (GRCh38, 1-based): chr19:12,661,283, G>A on the plus strand (C>T on the coding strand, the complement: MAN2B1 is on the minus strand). VCF-style: chr19-12661283-G-A. GRCh37 (hg19) VCF-style: chr19-12772097-G-A.
Other names: c.1003C>T (NM_000528.3); c.1003C>T, p.Leu335Phe (NM_001173498.2); short protein forms L335F.
Identifiers: ClinVar variation 1450760 (VCV001450760.4), dbSNP rs2145272792, ClinGen allele CA404250137.

ClinVar aggregate classification (germline): Uncertain significance. Review status: criteria provided, single submitter (1 of 4 stars). 2 submissions from 2 submitters: Uncertain significance (1). 1 of the submissions does not count toward it. Last evaluated 2022-03-18.

Conditions:
Deficiency of alpha-mannosidase (MANSA). Also called: LYSOSOMAL ALPHA-D-MANNOSIDASE DEFICIENCY; Mannosidosis, alpha-, types I and II; Alpha-Mannosidosis. Identifiers: Orphanet 61, MedGen C0024748, MONDO:0009561, OMIM 248500.

Submissions (2):

Labcorp Genetics (formerly Invitae), Labcorp
Classification: Uncertain significance for Deficiency of alpha-mannosidase. Last evaluated: 2022-03-18. Review status: criteria provided, single submitter. Criteria: Invitae Variant Classification Sherloc (09022015). Collection method: clinical testing. Allele origin: germline.
Comment: This sequence change replaces leucine, which is neutral and non-polar, with phenylalanine, which is neutral and non-polar, at codon 335 of the MAN2B1 protein (p.Leu335Phe). This variant is not present in population databases (gnomAD no frequency). This variant has not been reported in the literature in individuals affected with MAN2B1-related conditions. Algorithms developed to predict the effect of missense changes on protein structure and function are either unavailable or do not agree on the potential impact of this missense change (SIFT: "Deleterious"; PolyPhen-2: "Probably Damaging"; Align-GVGD: "Class C15"). In summary, the available evidence is currently insufficient to determine the role of this variant in disease. Therefore, it has been classified as a Variant of Uncertain Significance.

Natera, Inc.
Classification: Uncertain significance for Alpha-mannosidosis. Last evaluated: 2025-02-03. Review status: no assertion criteria provided. Collection method: clinical testing. Allele origin: germline. Not counted in ClinVar's aggregate classification.